The following is an entry in ClinVar:

ClinVar aggregate classification (germline): Conflicting classifications of pathogenicity. Review status: criteria provided, conflicting classifications (1 of 4 stars). 2 submissions from 2 submitters: Likely pathogenic (1); Uncertain significance (1). Last evaluated 2026-02-07.

Conditions:
Morimoto-Ryu-Malicdan neuromuscular syndrome. Identifiers: MedGen C5975521, MONDO:0975848, OMIM 621010.

gnomAD v4.1: 1 of 1,613,698 alleles (0.000062%); highest among the groups gnomAD compares: Non-Finnish European, 0.000085%; no homozygotes.

Submissions (2):

GeneDx
Classification: Uncertain significance. Last evaluated: 2026-02-07. Review status: criteria provided, single submitter. Criteria: GeneDx Variant Classification Process June 2021. Collection method: clinical testing. Allele origin: germline.
Comment: Not observed at significant frequency in large population cohorts (gnomAD); In silico analysis supports that this missense variant has a deleterious effect on protein structure/function; Has not been previously published as pathogenic or benign to our knowledge

Undiagnosed Diseases Network, NIH
Classification: Likely pathogenic for Morimoto-Ryu-Malicdan neuromuscular syndrome. Last evaluated: 2025-09-26. Review status: criteria provided, single submitter. Criteria: ACMG Guidelines, 2015. Collection method: clinical testing. Allele origin: paternal. Affected: yes. Observed: 1 variant allele, 1 compound heterozygote. Study: Undiagnosed Diseases Network (NIH), UDN.

NM_002916.5(RFC4):c.866T>G (p.Leu289Arg)

Genes: EIF4A2 (eukaryotic translation initiation factor 4A2; plus strand), RFC4 (replication factor C subunit 4; minus strand). Cytogenetic location: 3q27.3.
Variant type: single nucleotide variant.
Coding change: c.866T>G on transcript NM_002916.5 (MANE Select); coding-DNA position 866, T replaced by G.
Protein change: p.Leu289Arg; replaces leucine 289 with arginine.
Molecular consequence: missense variant.
Genome position (GRCh38, 1-based): chr3:186,790,342, A>C on the plus strand (T>G on the coding strand, the complement: RFC4 is on the minus strand). VCF-style: chr3-186790342-A-C. GRCh37 (hg19) VCF-style: chr3-186508131-A-C.
Other names: p.L289R; c.866T>G, p.Leu289Arg (NM_181573.3); short protein forms L289R.
Identifiers: ClinVar variation 4532813 (VCV004532813.2).
Genomic context (GRCh38, chr3:186,790,342, plus strand): 5'-ATGACTTAATATTCCTTTCCCCAAAGTTAGTAAGCTGACTTTACCTTGACCACAGCTTCT[A>C]GTTTGTCAAAAGAGCCACTCTGACAGGCAGCAAATACTCCATCAATTTTCTCAGCTGGTA-3'
Protein context (NP_002907.1, residues 279-299): AACQSGSFDK[Leu289Arg]EAVVKDLIDE